The following is an entry in ClinVar:

NM_003803.4(MYOM1):c.142A>T (p.Ser48Cys)

Gene: MYOM1 (myomesin 1; minus strand). Cytogenetic location: 18p11.31.
Variant type: single nucleotide variant.
Coding change: c.142A>T on transcript NM_003803.4 (MANE Select); coding-DNA position 142, A replaced by T.
Protein change: p.Ser48Cys; replaces serine 48 with cysteine.
Molecular consequence: missense variant.
Genome position (GRCh38, 1-based): chr18:3,215,082, T>A on the plus strand (A>T on the coding strand, the complement: MYOM1 is on the minus strand). VCF-style: chr18-3215082-T-A. GRCh37 (hg19) VCF-style: chr18-3215080-T-A.
Other names: c.142A>T, p.Ser48Cys (NM_019856.2); short protein forms S48C.
Identifiers: ClinVar variation 524946 (VCV000524946.12), dbSNP rs1234403854, ClinGen allele CA401718193.

ClinVar aggregate classification (germline): Uncertain significance. Review status: criteria provided, multiple submitters, no conflicts (2 of 4 stars). 2 submissions from 2 submitters: Uncertain significance (2). Last evaluated 2025-11-11.

Conditions:
Hypertrophic cardiomyopathy. Also called: HYPERTROPHIC MYOCARDIOPATHY. Identifiers: Orphanet 217569, MedGen C0007194, MeSH D002312, MONDO:0005045, HP:0001639.

Allele frequency attached by ClinVar (database versions not stated): gnomAD exomes below 0.00001 and 0.00001.
gnomAD v4.1: 6 of 1,613,596 alleles (0.00037%); highest among the groups gnomAD compares: Non-Finnish European, 0.00051%; no homozygotes.

Submissions (2):

Labcorp Genetics (formerly Invitae), Labcorp
Classification: Uncertain significance for Hypertrophic cardiomyopathy. Last evaluated: 2025-11-11. Review status: criteria provided, single submitter. Criteria: Invitae Variant Classification Sherloc (09022015). Collection method: clinical testing. Allele origin: germline.
Comment: This sequence change replaces serine, which is neutral and polar, with cysteine, which is neutral and slightly polar, at codon 48 of the MYOM1 protein (p.Ser48Cys). This variant is present in population databases (no rsID available, gnomAD 0.0009%). This variant has not been reported in the literature in individuals affected with MYOM1-related conditions. ClinVar contains an entry for this variant (Variation ID: 524946). An algorithm developed to predict the effect of missense changes on protein structure and function (PolyPhen-2) suggests that this variant is likely to be disruptive. In summary, the available evidence is currently insufficient to determine the role of this variant in disease. Therefore, it has been classified as a Variant of Uncertain Significance.

Ambry Genetics
Classification: Uncertain significance. Last evaluated: 2025-09-25. Review status: criteria provided, single submitter. Criteria: Ambry Variant Classification Scheme 2023. Collection method: clinical testing. Allele origin: germline.
Comment: The p.S48C variant (also known as c.142A>T), located in coding exon 1 of the MYOM1 gene, results from an A to T substitution at nucleotide position 142. The serine at codon 48 is replaced by cysteine, an amino acid with dissimilar properties. This amino acid position is conserved. In addition, this alteration is predicted to be tolerated by in silico analysis. Since supporting evidence is limited at this time, the clinical significance of this alteration remains unclear.